The following is an entry in ClinVar:

NM_022454.4(SOX17):c.532G>T (p.Gly178Cys)

Gene: SOX17 (SRY-box transcription factor 17; plus strand). Cytogenetic location: 8q11.23.
Variant type: single nucleotide variant.
Coding change: c.532G>T on transcript NM_022454.4 (MANE Select); coding-DNA position 532, G replaced by T.
Protein change: p.Gly178Cys; replaces glycine 178 with cysteine.
Molecular consequence: missense variant.
Genome position (GRCh38, 1-based): chr8:54,459,282, G>T. VCF-style: chr8-54459282-G-T. GRCh37 (hg19) VCF-style: chr8-55371842-G-T.
Other names: short protein forms G178C.
Identifiers: ClinVar variation 18414 (VCV000018414.7), dbSNP rs267607082, ClinGen allele CA114742.

ClinVar aggregate classification (germline): Conflicting classifications of pathogenicity. Review status: criteria provided, conflicting classifications (1 of 4 stars). 4 submissions from 4 submitters: Uncertain significance (1); Likely benign (1). 2 of the submissions do not count toward it. Last evaluated 2025-07-08.

Conditions:
Vesicoureteral reflux 3 (VUR3). Identifiers: Orphanet 289365, MedGen C3150927, MONDO:0013356, OMIM 613674.

Allele frequency attached by ClinVar (database versions not stated): TOPMed 0.00006.

Submissions (4):

Labcorp Genetics (formerly Invitae), Labcorp
Classification: Uncertain significance. Last evaluated: 2025-07-08. Review status: criteria provided, single submitter. Criteria: Invitae Variant Classification Sherloc (09022015). Collection method: clinical testing. Allele origin: germline.
Comment: This sequence change replaces glycine, which is neutral and non-polar, with cysteine, which is neutral and slightly polar, at codon 178 of the SOX17 protein (p.Gly178Cys). This variant is present in population databases (rs267607082, gnomAD 0.02%). This missense change has been observed in individual(s) with clinical features of SOX17-related conditions (PMID: 20960469). ClinVar contains an entry for this variant (Variation ID: 18414). Invitae Evidence Modeling of protein sequence and biophysical properties (such as structural, functional, and spatial information, amino acid conservation, physicochemical variation, residue mobility, and thermodynamic stability) indicates that this missense variant is not expected to disrupt SOX17 protein function with a negative predictive value of 80%. In summary, the available evidence is currently insufficient to determine the role of this variant in disease. Therefore, it has been classified as a Variant of Uncertain Significance.

Fulgent Genetics
Classification: Likely benign for Vesicoureteral reflux 3. Last evaluated: 2024-06-11. Review status: criteria provided, single submitter. Criteria: ACMG Guidelines, 2015. Collection method: clinical testing. Allele origin: germline.

Gharavi Laboratory, Columbia University
Classification: Uncertain significance. Last evaluated: 2018-09-16. Review status: no assertion criteria provided. Criteria: ACMG Guidelines, 2015. Collection method: research. Allele origin: germline. Affected: no. Not counted in ClinVar's aggregate classification.

OMIM
Classification: Pathogenic for VESICOURETERAL REFLUX 3. Last evaluated: 2010-12-01. Review status: no assertion criteria provided. Collection method: literature only. Allele origin: germline. Not counted in ClinVar's aggregate classification.

Literature cited by the submitters: PubMed 20960469 (cited by Labcorp Genetics (formerly Invitae), Labcorp and OMIM).